The following is an entry in ClinVar:

ClinVar aggregate classification (germline): Uncertain significance (1 of 4 stars; one submission).

Submission:

GeneDx
Classification: Uncertain significance. Last evaluated: 2024-12-02. Review status: criteria provided, single submitter. Criteria: GeneDx Variant Classification Process June 2021. Collection method: clinical testing. Allele origin: germline. Affected: yes.
Comment: Not observed at significant frequency in large population cohorts (gnomAD); In silico analysis supports a deleterious effect on protein structure/function; Has not been previously published as pathogenic or benign to our knowledge

NM_024496.4(IRF2BPL):c.1244_1245inv (p.Tyr415Cys)

Gene: IRF2BPL (interferon regulatory factor 2 binding protein like; minus strand). Cytogenetic location: 14q24.3.
Variant type: Inversion.
Coding change: c.1244_1245inv on transcript NM_024496.4 (MANE Select).
Protein change: p.Tyr415Cys; replaces tyrosine 415 with cysteine.
Molecular consequence: missense variant.
Genome position: GRCh38 VCF-style: chr14-77026548-GT-AC. GRCh37 (hg19) VCF-style: chr14-77492891-GT-AC.
Other names: short protein forms Y415C.
Identifiers: ClinVar variation 3900953 (VCV003900953.1).